The following is an entry in ClinVar:

ClinVar aggregate classification (germline): Pathogenic (1 of 4 stars; one submission).

Conditions:
Axenfeld-Rieger syndrome type 3 (RIEG3). Also called: AXENFELD-RIEGER ANOMALY WITH CARDIAC DEFECTS AND/OR SENSORINEURAL HEARING LOSS. Identifiers: Orphanet 782, MedGen C2678503, MONDO:0011233, OMIM 602482.

Submission:

Labcorp Genetics (formerly Invitae), Labcorp
Classification: Pathogenic for Axenfeld-Rieger syndrome type 3. Last evaluated: 2024-06-17. Review status: criteria provided, single submitter. Criteria: Invitae Variant Classification Sherloc (09022015). Collection method: clinical testing. Allele origin: germline.
Comment: This sequence change creates a premature translational stop signal (p.Ser339Cysfs*54) in the FOXC1 gene. While this is not anticipated to result in nonsense mediated decay, it is expected to disrupt the last 215 amino acid(s) of the FOXC1 protein. This variant is not present in population databases (gnomAD no frequency). This variant has not been reported in the literature in individuals affected with FOXC1-related conditions. This variant disrupts a region of the FOXC1 protein in which other variant(s) (p.Tyr497*) have been determined to be pathogenic (PMID: 28513611). This suggests that this is a clinically significant region of the protein, and that variants that disrupt it are likely to be disease-causing. For these reasons, this variant has been classified as Pathogenic.

Literature cited by the submitters: PubMed 28513611.

NM_001453.3(FOXC1):c.1016_1040del (p.Ser339fs)

Gene: FOXC1 (forkhead box C1; plus strand). Cytogenetic location: 6p25.3.
Variant type: Deletion.
Coding change: c.1016_1040del on transcript NM_001453.3 (MANE Select); coding-DNA positions 1016 to 1040, 25 bases deleted (CCTCGCGCGCGGGGATCGCACCCCC).
Protein change: p.Ser339fs; shifts the reading frame from serine 339.
Molecular consequence: frameshift variant.
Genome position (GRCh38, 1-based): chr6:1,611,461-1,611,485, CCTCGCGCGCGGGGATCGCACCCCC deleted. VCF-style (leftmost placement, unchanged base first): chr6-1611460-TCCTCGCGCGCGGGGATCGCACCCCC-T. GRCh37 (hg19) VCF-style: chr6-1611695-TCCTCGCGCGCGGGGATCGCACCCCC-T.
Other names: short protein forms S339fs.
Identifiers: ClinVar variation 3656840 (VCV003656840.2).
Genomic context (GRCh38, chr6:1,611,460, plus strand): 5'-GGGTCGCCGCAGAGCGCGGCCGCGGAGCTCAGCTCCGGCCTTCTGGCCTCGGCGGCCGCG[TCCTCGCGCGCGGGGATCGCACCCCC>T]GCTGGCGCTCGGCGCCTACTCGCCCGGCCAGAGCTCCCTCTACAGCTCCCCCTGCAGCCA-3'